The following is an entry in ClinVar:

NM_133433.4(NIPBL):c.4468G>A (p.Val1490Ile)

Gene: NIPBL (NIPBL cohesin loading factor; plus strand). Cytogenetic location: 5p13.2.
Variant type: single nucleotide variant.
Coding change: c.4468G>A on transcript NM_133433.4 (MANE Select); coding-DNA position 4468, G replaced by A.
Protein change: p.Val1490Ile; replaces valine 1490 with isoleucine.
Molecular consequence: missense variant.
Genome position (GRCh38, 1-based): chr5:37,010,133, G>A. VCF-style: chr5-37010133-G-A. GRCh37 (hg19) VCF-style: chr5-37010235-G-A.
Other names: c.4468G>A, p.Val1490Ile (NM_001438586.1, NM_015384.5); short protein forms V1490I.
Identifiers: ClinVar variation 4875079 (VCV004875079.2).
Genomic context (GRCh38, chr5:37,010,133, plus strand): 5'-TTTCTTCATTAAAGGTTAAACAGTAGTGATATGGATGGAGAACCTATGTATATTCAGATG[G>A]TTACAGCACTGGTTTTACAACTTATTCAGTGTGTGGTACACTTACCATCATCAGAGAAGG-3'
Protein context (NP_597677.2, residues 1480-1500): MDGEPMYIQM[Val1490Ile]TALVLQLIQC

ClinVar aggregate classification (germline): Uncertain significance (1 of 4 stars; one submission).

Submission:

CeGaT Center for Human Genetics Tuebingen
Classification: Uncertain significance. Last evaluated: 2026-06-01. Review status: criteria provided, single submitter. Criteria: CeGaT Center For Human Genetics Tuebingen Variant Classification Criteria Version 2. Collection method: clinical testing. Allele origin: germline. Affected: yes. Observed: 1 variant allele.
Comment: NIPBL: PM2, PP3